The following is an entry in ClinVar:

NM_000059.4(BRCA2):c.8130del (p.Ser2710fs)

Gene: BRCA2 (BRCA2 DNA repair associated; plus strand). Cytogenetic location: 13q13.1.
Variant type: Deletion.
Coding change: c.8130del on transcript NM_000059.4 (MANE Select); coding-DNA position 8130, one base deleted (T; older notation c.8130delT).
Protein change: p.Ser2710fs; shifts the reading frame from serine 2710.
Molecular consequence: frameshift variant.
Genome position (GRCh38, 1-based): chr13:32,363,332, T deleted. VCF-style (leftmost placement, unchanged base first): chr13-32363331-GT-G. GRCh37 (hg19) VCF-style: chr13-32937468-GT-G.
Other names: 8358delT; c.8130delT (NM_000059.3).
Identifiers: ClinVar variation 52508 (VCV000052508.21), dbSNP rs80359696, ClinGen allele CA025465.

ClinVar aggregate classification (germline): Pathogenic. Review status: reviewed by expert panel (3 of 4 stars). 8 submissions from 8 submitters: Pathogenic (1). 7 of the submissions do not count toward it. Last evaluated 2016-09-08.

Conditions:
Hereditary cancer-predisposing syndrome. Also called: Neoplastic Syndromes, Hereditary; Hereditary neoplastic syndrome; Hereditary Cancer Syndrome; Tumor predisposition. Identifiers: Orphanet 140162, MedGen C0027672, MeSH D009386, MONDO:0015356.
Hereditary breast ovarian cancer syndrome. Also called: BRCA1- and BRCA2-Associated Hereditary Breast and Ovarian Cancer; Hereditary breast and ovarian cancer syndrome (HBOC); Hereditary breast and ovarian cancer syndrome; Hereditary breast and/or ovarian cancer syndrome; Breast and ovarian cancer; Hereditary breast and ovarian cancer. Identifiers: Orphanet 145, MedGen C0677776, MeSH D061325, MONDO:0003582. Disease mechanism: loss of function.
Breast-ovarian cancer, familial, susceptibility to, 2 (BROVCA2). Also called: BRCA2 Hereditary Breast and Ovarian Cancer. Identifiers: Orphanet 145, MedGen C2675520, MONDO:0012933, OMIM 612555. Disease mechanism: loss of function.

Submissions (8):

Evidence-based Network for the Interpretation of Germline Mutant Alleles (ENIGMA)
Classification: Pathogenic for Breast-ovarian cancer, familial, susceptibility to, 2. Last evaluated: 2016-09-08. Review status: reviewed by expert panel. Criteria: ENIGMA BRCA1/2 Classification Criteria (2015). Collection method: curation. Allele origin: germline.
Comment: Variant allele predicted to encode a truncated non-functional protein.

Ambry Genetics
Classification: Pathogenic for Hereditary cancer-predisposing syndrome. Last evaluated: 2026-06-17. Review status: criteria provided, single submitter. Criteria: Ambry Variant Classification Scheme 2023. Collection method: clinical testing. Allele origin: germline. Not counted in ClinVar's aggregate classification.
Comment: The c.8130delT pathogenic mutation, located in coding exon 17 of the BRCA2 gene, results from a deletion of one nucleotide at nucleotide position 8130, causing a translational frameshift with a predicted alternate stop codon (p.S2710Rfs*23). This variant is considered to be rare based on population cohorts in the Genome Aggregation Database (gnomAD). This alteration is expected to result in loss of function by premature protein truncation or nonsense-mediated mRNA decay. As such, this alteration is interpreted as a disease-causing mutation.

Labcorp Genetics (formerly Invitae), Labcorp
Classification: Pathogenic for Hereditary breast ovarian cancer syndrome. Last evaluated: 2026-01-21. Review status: criteria provided, single submitter. Criteria: Invitae Variant Classification Sherloc (09022015). Collection method: clinical testing. Allele origin: germline. Not counted in ClinVar's aggregate classification.
Comment: This sequence change creates a premature translational stop signal (p.Ser2710Argfs*23) in the BRCA2 gene. It is expected to result in an absent or disrupted protein product. Loss-of-function variants in BRCA2 are known to be pathogenic (PMID: 20104584). This variant is not present in population databases (gnomAD no frequency). This premature translational stop signal has been observed in individual(s) with breast and/or ovarian cancer (PMID: 19941162, 29339979). This variant is also known as c.8358delT. ClinVar contains an entry for this variant (Variation ID: 52508). For these reasons, this variant has been classified as Pathogenic.

Color Diagnostics, LLC DBA Color Health
Classification: Pathogenic for Hereditary cancer-predisposing syndrome. Last evaluated: 2020-05-22. Review status: criteria provided, single submitter. Criteria: ACMG Guidelines, 2015. Collection method: clinical testing. Allele origin: germline. Not counted in ClinVar's aggregate classification.
Comment: This variant deletes 1 nucleotide in exon 18 of the BRCA2 gene, creating a frameshift and premature translation stop signal. This variant is expected to result in an absent or non-functional protein product. To our knowledge, this variant has not been reported in individuals affected with hereditary cancer in the literature. This variant has not been identified in the general population by the Genome Aggregation Database (gnomAD). Loss of BRCA2 function is a known mechanism of disease. Based on the available evidence, this variant is classified as Pathogenic.

Consortium of Investigators of Modifiers of BRCA1/2 (CIMBA), c/o University of Cambridge
Classification: Pathogenic for Breast-ovarian cancer, familial, susceptibility to, 2. Last evaluated: 2015-10-02. Review status: criteria provided, single submitter. Criteria: CIMBA Mutation Classification guidelines May 2016. Collection method: clinical testing. Allele origin: germline. Not counted in ClinVar's aggregate classification.

Department of Medical Genetics, Oslo University Hospital
Classification: Pathogenic for Breast-ovarian cancer, familial, susceptibility to, 2. Last evaluated: 2015-07-01. Review status: criteria provided, single submitter. Criteria: ACMG Guidelines, 2015. Collection method: clinical testing. Allele origin: germline. Affected: yes. Observed: 9 variant alleles. Not counted in ClinVar's aggregate classification.

Counsyl
Classification: Pathogenic for Breast-ovarian cancer, familial, susceptibility to, 2. Last evaluated: 2016-03-29. Review status: no assertion criteria provided. Collection method: clinical testing. Allele origin: unknown. Not counted in ClinVar's aggregate classification.

Breast Cancer Information Core (BIC) (BRCA2)
Classification: Pathogenic for Breast-ovarian cancer, familial 2. Last evaluated: 2002-05-29. Review status: no assertion criteria provided. Collection method: clinical testing. Allele origin: germline. Affected: yes. Observed: 1 variant allele. Not counted in ClinVar's aggregate classification.

Literature cited by the submitters: PubMed 20104584 (cited by Labcorp Genetics (formerly Invitae), Labcorp); PubMed 19941162 (cited by Labcorp Genetics (formerly Invitae), Labcorp and Counsyl); PubMed 29339979 (cited by Labcorp Genetics (formerly Invitae), Labcorp).